The following is an entry in ClinVar:

NM_001845.6(COL4A1):c.780G>A (p.Lys260=)

Gene: COL4A1 (collagen type IV alpha 1 chain; minus strand). Cytogenetic location: 13q34.
Variant type: single nucleotide variant.
Coding change: c.780G>A on transcript NM_001845.6 (MANE Select); coding-DNA position 780, G replaced by A.
Protein change: p.Lys260=; no amino-acid change (lysine 260 retained).
Molecular consequence: synonymous variant.
Genome position (GRCh38, 1-based): chr13:110,207,403, C>T on the plus strand (G>A on the coding strand, the complement: COL4A1 is on the minus strand). VCF-style: chr13-110207403-C-T. GRCh37 (hg19) VCF-style: chr13-110859750-C-T.
Other names: c.780G>A, p.Lys260= (NM_001303110.2).
Identifiers: ClinVar variation 3575748 (VCV003575748.3).

ClinVar aggregate classification (germline): Uncertain significance. Review status: criteria provided, multiple submitters, no conflicts (2 of 4 stars). 2 submissions from 2 submitters: Uncertain significance (2). Last evaluated 2024-09-27.

Conditions:
Brain small vessel disease 1 with or without ocular anomalies (BSVD1). Also called: BRAIN SMALL VESSEL DISEASE WITH HEMORRHAGE; Brain small vessel disease with or without ocular anomalies; GOULD SYNDROME 1; PORENCEPHALY, TYPE 1, AUTOSOMAL DOMINANT. Identifiers: Orphanet 2940, Orphanet 36383, Orphanet 99810, MedGen C4755307, MONDO:0008289, OMIM 175780.
Hemorrhage, intracerebral, susceptibility to (ICH). Also called: Stroke, hemorrhagic, susceptibility to. Identifiers: MedGen C3281105, MONDO:0100533, OMIM 614519.
Retinal arterial tortuosity. Also called: RETINAL HEMORRHAGE WITH VASCULAR TORTUOSITY; Retinal arteries, tortuosity of. Identifiers: Orphanet 75326, MedGen C0423401, MONDO:0008373, OMIM 180000, HP:0000631.
Autosomal dominant familial hematuria-retinal arteriolar tortuosity-contractures syndrome. Also called: Angiopathy, hereditary, with nephropathy, aneurysms, and muscle cramps; Hereditary Angiopathy with Nephropathy, Aneurysms, and Muscle Cramps (HANAC) Syndrome. Identifiers: Orphanet 73229, MedGen C2673195, MONDO:0012726, OMIM 611773.
Microangiopathy and leukoencephalopathy, pontine, autosomal dominant. Also called: DEMENTIA, HEREDITARY MULTI-INFARCT, SWEDISH TYPE; Pontine autosomal dominant microangiopathy with leukoencephalopathy. Identifiers: Orphanet 477749, MedGen C5231411, MONDO:0032814, OMIM 618564.

gnomAD v4.1: 2 of 1,613,116 alleles (0.00012%); highest among the groups gnomAD compares: Non-Finnish European, 0.00017%; no homozygotes.

Submissions (2):

Labcorp Genetics (formerly Invitae), Labcorp
Classification: Uncertain significance. Last evaluated: 2024-09-27. Review status: criteria provided, single submitter. Criteria: Invitae Variant Classification Sherloc (09022015). Collection method: clinical testing. Allele origin: germline.
Comment: This sequence change affects codon 260 of the COL4A1 mRNA. It is a 'silent' change, meaning that it does not change the encoded amino acid sequence of the COL4A1 protein. This variant also falls at the last nucleotide of exon 13, which is part of the consensus splice site for this exon. This variant is not present in population databases (gnomAD no frequency). This variant has not been reported in the literature in individuals affected with COL4A1-related conditions. Variants that disrupt the consensus splice site are a relatively common cause of aberrant splicing (PMID: 17576681, 9536098). Algorithms developed to predict the effect of sequence changes on RNA splicing suggest that this variant may disrupt the consensus splice site. In summary, the available evidence is currently insufficient to determine the role of this variant in disease. Therefore, it has been classified as a Variant of Uncertain Significance.

Fulgent Genetics
Classification: Uncertain significance for Brain small vessel disease 1 with or without ocular anomalies; Retinal arterial tortuosity; Autosomal dominant familial hematuria-retinal arteriolar tortuosity-contractures syndrome; Hemorrhage, intracerebral, susceptibility to; Microangiopathy and leukoencephalopathy, pontine, autosomal dominant. Last evaluated: 2024-04-12. Review status: criteria provided, single submitter. Criteria: ACMG Guidelines, 2015. Collection method: clinical testing. Allele origin: germline.

Literature cited by the submitters: PubMed 17576681 (cited by Labcorp Genetics (formerly Invitae), Labcorp); PubMed 9536098 (cited by Labcorp Genetics (formerly Invitae), Labcorp).